The following is an entry in ClinVar:

ClinVar aggregate classification (germline): Uncertain significance. Review status: criteria provided, single submitter (1 of 4 stars). 2 submissions from 2 submitters: Uncertain significance (1). 1 of the submissions does not count toward it. Last evaluated 2025-03-17.

Conditions:
Autosomal dominant polycystic liver disease. Also called: Congenital cystic disease of liver; Polycystic liver disease. Identifiers: Orphanet 2924, MedGen C0158683, MONDO:0000447, HP:0006557.

Allele frequency attached by ClinVar (database versions not stated): gnomAD 0.00001; TOPMed 0.00001; gnomAD exomes 0.00002 and 0.00003; ExAC 0.00007.
gnomAD v4.1: 31 of 1,614,078 alleles (0.0019%); highest among the groups gnomAD compares: Non-Finnish European, 0.0025%; no homozygotes.

Submissions (2):

Labcorp Genetics (formerly Invitae), Labcorp
Classification: Uncertain significance. Last evaluated: 2025-03-17. Review status: criteria provided, single submitter. Criteria: Invitae Variant Classification Sherloc (09022015). Collection method: clinical testing. Allele origin: germline.
Comment: This sequence change replaces aspartic acid, which is acidic and polar, with glutamic acid, which is acidic and polar, at codon 32 of the PRKCSH protein (p.Asp32Glu). This variant is present in population databases (rs778138658, gnomAD 0.007%). This variant has not been reported in the literature in individuals affected with PRKCSH-related conditions. ClinVar contains an entry for this variant (Variation ID: 1255688). An algorithm developed to predict the effect of missense changes on protein structure and function outputs the following: PolyPhen-2: "Benign". The glutamic acid amino acid residue is found in multiple mammalian species, which suggests that this missense change does not adversely affect protein function. In summary, the available evidence is currently insufficient to determine the role of this variant in disease. Therefore, it has been classified as a Variant of Uncertain Significance.

Laboratory of Gastroenterology and Hepatology, Radboud University Medical Center
Classification: Uncertain significance for Autosomal dominant polycystic liver disease. Last evaluated: 2021-09-01. Review status: no assertion criteria provided. Collection method: research. Allele origin: germline. Affected: yes. Not counted in ClinVar's aggregate classification.

NM_001289104.2(PRKCSH):c.96T>G (p.Asp32Glu)

Gene: PRKCSH (PRKCSH beta subunit of glucosidase II; plus strand). Cytogenetic location: 19p13.2.
Variant type: single nucleotide variant.
Coding change: c.96T>G on transcript NM_001289104.2 (MANE Select); coding-DNA position 96, T replaced by G.
Protein change: p.Asp32Glu; replaces aspartic acid 32 with glutamic acid.
Molecular consequence: missense variant.
Genome position (GRCh38, 1-based): chr19:11,436,405, T>G. VCF-style: chr19-11436405-T-G. GRCh37 (hg19) VCF-style: chr19-11547226-T-G.
Other names: c.96T>G, p.Asp32Glu (NM_001001329.3, NM_001289102.2, NM_001289103.2 and 3 more transcripts); short protein forms D32E.
Identifiers: ClinVar variation 1255688 (VCV001255688.6), dbSNP rs778138658, ClinGen allele CA9212701.